The following is an entry in ClinVar:

NM_182914.3(SYNE2):c.13021C>G (p.Gln4341Glu)

Gene: SYNE2 (spectrin repeat containing nuclear envelope protein 2; plus strand). Cytogenetic location: 14q23.2.
Variant type: single nucleotide variant.
Coding change: c.13021C>G on transcript NM_182914.3 (MANE Select); coding-DNA position 13021, C replaced by G.
Protein change: p.Gln4341Glu; replaces glutamine 4341 with glutamic acid.
Molecular consequence: missense variant.
Genome position (GRCh38, 1-based): chr14:64,119,607, C>G. VCF-style: chr14-64119607-C-G. GRCh37 (hg19) VCF-style: chr14-64586325-C-G.
Other names: c.13021C>G, p.Gln4341Glu (NM_015180.6); short protein forms Q4341E.
Identifiers: ClinVar variation 470927 (VCV000470927.10), dbSNP rs367698099, ClinGen allele CA7222304.
Genomic context (GRCh38, chr14:64,119,607, plus strand): 5'-ACAGTGAAGTGCAATTTAGAAAAAGTCCAGATGATGCTTCAGGAGAAGCACAGTGAAGAT[C>G]AGGTAAAAAATGACTATCTATGGACATTCATCTTGATACACATATGTGGCAGACCTGCCA-3'
Protein context (NP_878918.2, residues 4331-4351): MMLQEKHSED[Gln4341Glu]HPTILKKSSE

ClinVar aggregate classification (germline): Uncertain significance. Review status: criteria provided, multiple submitters, no conflicts (2 of 4 stars). 2 submissions from 2 submitters: Uncertain significance (2). Last evaluated 2024-01-17.

Conditions:
Emery-Dreifuss muscular dystrophy 5, autosomal dominant (EDMD5). Also called: EMERY-DREIFUSS MUSCULAR DYSTROPHY 5. Identifiers: Orphanet 261, MedGen C2751805, MONDO:0013072, OMIM 612999.

Allele frequency attached by ClinVar (database versions not stated): TOPMed 0.00003; gnomAD 0.00004; ESP Exome Variant Server 0.00008.
gnomAD v4.1: 130 of 1,613,840 alleles (0.0081%); highest among the groups gnomAD compares: Non-Finnish European, 0.01%; no homozygotes.

Submissions (2):

Labcorp Genetics (formerly Invitae), Labcorp
Classification: Uncertain significance for Emery-Dreifuss muscular dystrophy 5, autosomal dominant. Last evaluated: 2024-01-17. Review status: criteria provided, single submitter. Criteria: Invitae Variant Classification Sherloc (09022015). Collection method: clinical testing. Allele origin: germline.
Comment: This sequence change replaces glutamine, which is neutral and polar, with glutamic acid, which is acidic and polar, at codon 4341 of the SYNE2 protein (p.Gln4341Glu). This variant is present in population databases (rs367698099, gnomAD 0.008%). This variant has not been reported in the literature in individuals affected with SYNE2-related conditions. ClinVar contains an entry for this variant (Variation ID: 470927). An algorithm developed to predict the effect of missense changes on protein structure and function (PolyPhen-2) suggests that this variant is likely to be disruptive. In summary, the available evidence is currently insufficient to determine the role of this variant in disease. Therefore, it has been classified as a Variant of Uncertain Significance.

Ambry Genetics
Classification: Uncertain significance. Last evaluated: 2023-02-07. Review status: criteria provided, single submitter. Criteria: Ambry Variant Classification Scheme 2023. Collection method: clinical testing. Allele origin: germline.